The following is an entry in ClinVar:

NM_004656.4(BAP1):c.1331C>G (p.Thr444Ser)

Gene: BAP1 (BRCA1 associated deubiquitinase 1; minus strand). Cytogenetic location: 3p21.1.
Variant type: single nucleotide variant.
Coding change: c.1331C>G on transcript NM_004656.4 (MANE Select); coding-DNA position 1331, C replaced by G.
Protein change: p.Thr444Ser; replaces threonine 444 with serine.
Molecular consequence: missense variant.
Genome position (GRCh38, 1-based): chr3:52,403,814, G>C on the plus strand (C>G on the coding strand, the complement: BAP1 is on the minus strand). VCF-style: chr3-52403814-G-C. GRCh37 (hg19) VCF-style: chr3-52437830-G-C.
Other names: c.1277C>G, p.Thr426Ser (NM_001410772.1); short protein forms T426S, T444S.
Identifiers: ClinVar variation 3819315 (VCV003819315.1).
Genomic context (GRCh38, chr3:52,403,814, plus strand): 5'-GACAGAGGAATTGAGAGGTCCTTCTGGGACTCTTTGAGCTTCTCAGCCAAGACGTTGATG[G>C]TGTTGGGCTGCAGCACTGACAGTTGCCCATCAGCAGAACCGCTCAATGCCCCTGGCTTCC-3'
Protein context (NP_004647.1, residues 434-454): DGQLSVLQPN[Thr444Ser]INVLAEKLKE

ClinVar aggregate classification (germline): Uncertain significance (1 of 4 stars; one submission).

Conditions:
Hereditary cancer-predisposing syndrome. Also called: Hereditary neoplastic syndrome; Neoplastic Syndromes, Hereditary; Tumor predisposition; Hereditary Cancer Syndrome. Identifiers: Orphanet 140162, MedGen C0027672, MeSH D009386, MONDO:0015356.

Submission:

Ambry Genetics
Classification: Uncertain significance for Hereditary cancer-predisposing syndrome. Last evaluated: 2025-02-21. Review status: criteria provided, single submitter. Criteria: Ambry Variant Classification Scheme 2023. Collection method: clinical testing. Allele origin: germline.
Comment: The p.T444S variant (also known as c.1331C>G), located in coding exon 13 of the BAP1 gene, results from a C to G substitution at nucleotide position 1331. The threonine at codon 444 is replaced by serine, an amino acid with similar properties. This amino acid position is conserved. In addition, this alteration is predicted to be tolerated by in silico analysis. Based on the available evidence, the clinical significance of this variant remains unclear.